The following is an entry in ClinVar:

ClinVar aggregate classification (germline): Conflicting classifications of pathogenicity. Review status: criteria provided, conflicting classifications (1 of 4 stars). 3 submissions from 3 submitters: Uncertain significance (2); Likely benign (1). Last evaluated 2024-05-13.

Conditions:
Cardiovascular phenotype. Identifiers: MedGen CN230736.
Dilated cardiomyopathy 1JJ (CMD1JJ). Identifiers: Orphanet 154, MedGen C3808935, MONDO:0014095, OMIM 615235.

Allele frequency attached by ClinVar (database versions not stated): gnomAD exomes 0.00001; ExAC 0.00002; gnomAD 0.00002; TOPMed 0.00002.
gnomAD v4.1: 11 of 1,609,496 alleles (0.00068%); highest among the groups gnomAD compares: Middle Eastern, 0.016%; no homozygotes.

Submissions (3):

GeneDx
Classification: Uncertain significance. Last evaluated: 2024-05-13. Review status: criteria provided, single submitter. Criteria: GeneDx Variant Classification Process June 2021. Collection method: clinical testing. Allele origin: germline. Affected: yes.
Comment: Not observed at significant frequency in large population cohorts (gnomAD); In silico analysis indicates that this missense variant does not alter protein structure/function; Has not been previously published as pathogenic or benign to our knowledge

Ambry Genetics
Classification: Likely benign for Cardiovascular phenotype. Last evaluated: 2024-03-16. Review status: criteria provided, single submitter. Criteria: Ambry Variant Classification Scheme 2023. Collection method: clinical testing. Allele origin: germline.

Labcorp Genetics (formerly Invitae), Labcorp
Classification: Uncertain significance for Dilated cardiomyopathy 1JJ. Last evaluated: 2023-07-06. Review status: criteria provided, single submitter. Criteria: Invitae Variant Classification Sherloc (09022015). Collection method: clinical testing. Allele origin: germline.
Comment: This sequence change replaces asparagine, which is neutral and polar, with aspartic acid, which is acidic and polar, at codon 68 of the LAMA4 protein (p.Asn68Asp). In summary, the available evidence is currently insufficient to determine the role of this variant in disease. Therefore, it has been classified as a Variant of Uncertain Significance. Algorithms developed to predict the effect of missense changes on protein structure and function output the following: SIFT: "Not Available"; PolyPhen-2: "Benign"; Align-GVGD: "Not Available". The aspartic acid amino acid residue is found in multiple mammalian species, which suggests that this missense change does not adversely affect protein function. ClinVar contains an entry for this variant (Variation ID: 1784720). This variant has not been reported in the literature in individuals affected with LAMA4-related conditions. This variant is present in population databases (rs781928632, gnomAD 0.002%).

NM_001105206.3(LAMA4):c.202A>G (p.Asn68Asp)

Gene: LAMA4 (laminin subunit alpha 4; minus strand). Cytogenetic location: 6q21.
Variant type: single nucleotide variant.
Coding change: c.202A>G on transcript NM_001105206.3 (MANE Select); coding-DNA position 202, A replaced by G.
Protein change: p.Asn68Asp; replaces asparagine 68 with aspartic acid.
Molecular consequence: missense variant.
Genome position (GRCh38, 1-based): chr6:112,216,463, T>C on the plus strand (A>G on the coding strand, the complement: LAMA4 is on the minus strand). VCF-style: chr6-112216463-T-C. GRCh37 (hg19) VCF-style: chr6-112537664-T-C.
Other names: c.202A>G, p.Asn68Asp (NM_001105207.3, NM_002290.5); short protein forms N68D.
Identifiers: ClinVar variation 1784720 (VCV001784720.7), dbSNP rs781928632, ClinGen allele CA3966273.